The following is an entry in ClinVar:

ClinVar aggregate classification (germline): Benign (1 of 4 stars; one submission).

Conditions:
Pseudohypoparathyroidism type 1B (PHP1B). Also called: Pseudohypoparathyroidism Ib (PHP-Ib); Pseudohypoparathyroidism Type IB; PHP IB. Identifiers: Orphanet 94089, MedGen C1864100, MONDO:0011301, OMIM 603233.

Allele frequency attached by ClinVar (database versions not stated): TOPMed below 0.00001; gnomAD 0.00001 and 0.00002; 1000 Genomes Project 30x 0.00031; 1000 Genomes Project 0.00040.

Submission:

Illumina Laboratory Services, Illumina
Classification: Benign for Pseudohypoparathyroidism type 1B. Last evaluated: 2018-01-12. Review status: criteria provided, single submitter. Criteria: ICSL Variant Classification Criteria 13 December 2019. Collection method: clinical testing. Allele origin: germline.
Comment: This variant was observed in the ICSL laboratory as part of a predisposition screen in an ostensibly healthy population. It had not been previously curated by ICSL or reported in the Human Gene Mutation Database (HGMD: prior to June 1st, 2018), and was therefore a candidate for classification through an automated scoring system. Utilizing variant allele frequency, disease prevalence and penetrance estimates, and inheritance mode, an automated score was calculated to assess if this variant is too frequent to cause the disease. Based on the score and internal cut-off values, a variant classified as benign is not then subjected to further curation. The score for this variant resulted in a classification of benign for this disease.

NM_001001433.3(STX16):c.*539G>A

Genes: STX16 (syntaxin 16; plus strand), STX16-NPEPL1 (STX16-NPEPL1 readthrough (NMD candidate); plus strand). Cytogenetic location: 20q13.32.
Variant type: single nucleotide variant.
Coding change: c.*539G>A on transcript NM_001001433.3 (MANE Select); 539 bases downstream of the stop codon, G replaced by A.
Molecular consequence: 3 prime UTR variant. On other transcripts: non-coding transcript variant (3).
Genome position (GRCh38, 1-based): chr20:58,676,830, G>A. VCF-style: chr20-58676830-G-A. GRCh37 (hg19) VCF-style: chr20-57251886-G-A.
Other names: c.*539G>A (NM_001134772.3, NM_001134773.3, NM_001204868.2 and 1 more transcripts).
Identifiers: ClinVar variation 898529 (VCV000898529.4), dbSNP rs571571425, ClinGen allele CA316312882.
Genomic context (GRCh38, chr20:58,676,830, plus strand): 5'-TTTCTCTATATATTTTCCAGTTGAAAACAAACTAAGAAGTCCTTTAAGAATTTATAATCC[G>A]TTCCCCATTAACTTAATTTAGCTTTTCCATCACTGTTAATGATCAGAGTAACAAAGTGTG-3'